The following is an entry in ClinVar:

ClinVar aggregate classification (germline): Conflicting classifications of pathogenicity. Review status: criteria provided, conflicting classifications (1 of 4 stars). 2 submissions from 2 submitters: Uncertain significance (1); Likely benign (1). Last evaluated 2023-12-18.

Conditions:
Combined immunodeficiency due to MALT1 deficiency. Also called: Immunodeficiency 12. Identifiers: Orphanet 397964, MedGen C3809583, MONDO:0014197, OMIM 615468.

Allele frequency attached by ClinVar (database versions not stated): gnomAD exomes 0.00004; ExAC 0.00008; gnomAD 0.00009 and 0.00011; TOPMed 0.00011; ESP Exome Variant Server 0.00023.
gnomAD v4.1: 80 of 1,613,304 alleles (0.005%); highest among the groups gnomAD compares: Middle Eastern, 0.082%; no homozygotes.

Submissions (2):

Labcorp Genetics (formerly Invitae), Labcorp
Classification: Uncertain significance for Combined immunodeficiency due to MALT1 deficiency. Last evaluated: 2023-12-18. Review status: criteria provided, single submitter. Criteria: Invitae Variant Classification Sherloc (09022015). Collection method: clinical testing. Allele origin: germline.
Comment: This sequence change replaces valine, which is neutral and non-polar, with isoleucine, which is neutral and non-polar, at codon 428 of the MALT1 protein (p.Val428Ile). This variant is present in population databases (rs140664950, gnomAD 0.03%). This variant has not been reported in the literature in individuals affected with MALT1-related conditions. ClinVar contains an entry for this variant (Variation ID: 572153). Advanced modeling of protein sequence and biophysical properties (such as structural, functional, and spatial information, amino acid conservation, physicochemical variation, residue mobility, and thermodynamic stability) performed at Invitae indicates that this missense variant is not expected to disrupt MALT1 protein function with a negative predictive value of 80%. In summary, the available evidence is currently insufficient to determine the role of this variant in disease. Therefore, it has been classified as a Variant of Uncertain Significance.

Dubai Health Genomic Medicine Center, Dubai Health
Classification: Likely benign for Combined immunodeficiency due to MALT1 deficiency. Last evaluated: 2020-10-06. Review status: criteria provided, single submitter. Criteria: ACMG Guidelines, 2015. Collection method: clinical testing. Allele origin: germline. Affected: yes.

NM_006785.4(MALT1):c.1282G>A (p.Val428Ile)

Gene: MALT1 (MALT1 paracaspase; plus strand). Cytogenetic location: 18q21.32.
Variant type: single nucleotide variant.
Coding change: c.1282G>A on transcript NM_006785.4 (MANE Select); coding-DNA position 1282, G replaced by A.
Protein change: p.Val428Ile; replaces valine 428 with isoleucine.
Molecular consequence: missense variant.
Genome position (GRCh38, 1-based): chr18:58,733,456, G>A. VCF-style: chr18-58733456-G-A. GRCh37 (hg19) VCF-style: chr18-56400688-G-A.
Other names: c.1249G>A, p.Val417Ile (NM_173844.3); c.1282G>A, p.Val428Ile (LRG_1221t1); short protein forms V428I, V417I.
Identifiers: ClinVar variation 572153 (VCV000572153.8), dbSNP rs140664950, ClinGen allele CA8977871.
Genomic context (GRCh38, chr18:58,733,456, plus strand): 5'-GGGTTATTATATTATGCAGGACATGGTTATGAAAATTTTGGGAACAGCTTCATGGTCCCC[G>A]TTGATGCTCCAAATCCATATAGGTCTGAAAATTGTCTGTGTGTACAAAATATACTGAAAT-3'
Protein context (NP_006776.1, residues 418-438): ENFGNSFMVP[Val428Ile]DAPNPYRSEN